The following is an entry in ClinVar:

ClinVar aggregate classification (germline): Uncertain significance (1 of 4 stars; one submission).

Conditions:
Joubert syndrome 15 (JBTS15). Identifiers: Orphanet 475, MedGen C3280897, MONDO:0013763, OMIM 614464.

Submission:

Labcorp Genetics (formerly Invitae), Labcorp
Classification: Uncertain significance for Joubert syndrome 15. Last evaluated: 2021-12-08. Review status: criteria provided, single submitter. Criteria: Invitae Variant Classification Sherloc (09022015). Collection method: clinical testing. Allele origin: germline.
Comment: In summary, the available evidence is currently insufficient to determine the role of this variant in disease. Therefore, it has been classified as a Variant of Uncertain Significance. Variants that disrupt the consensus splice site are a relatively common cause of aberrant splicing (PMID: 17576681, 9536098). Algorithms developed to predict the effect of sequence changes on RNA splicing suggest that this variant may disrupt the consensus splice site. This variant has not been reported in the literature in individuals affected with CEP41-related conditions. This variant is not present in population databases (gnomAD no frequency). This sequence change affects codon 11 of the CEP41 mRNA. It is a 'silent' change, meaning that it does not change the encoded amino acid sequence of the CEP41 protein. This variant also falls at the last nucleotide of exon 1, which is part of the consensus splice site for this exon.

Literature cited by the submitters: PubMed 17576681; PubMed 9536098.

NM_018718.3(CEP41):c.33G>A (p.Glu11=)

Gene: CEP41 (centrosomal protein 41; minus strand). Cytogenetic location: 7q32.2.
Variant type: single nucleotide variant.
Coding change: c.33G>A on transcript NM_018718.3 (MANE Select); coding-DNA position 33, G replaced by A.
Protein change: p.Glu11=; no amino-acid change (glutamic acid 11 retained).
Molecular consequence: synonymous variant. On other transcripts: non-coding transcript variant (1).
Genome position (GRCh38, 1-based): chr7:130,440,934, C>T on the plus strand (G>A on the coding strand, the complement: CEP41 is on the minus strand). VCF-style: chr7-130440934-C-T. GRCh37 (hg19) VCF-style: chr7-130080775-C-T.
Other names: c.33G>A, p.Glu11= (NM_001257158.2, NM_001257159.2, NM_001257160.2).
Identifiers: ClinVar variation 1396545 (VCV001396545.6), dbSNP rs2117739865, ClinGen allele CA457650996.